The following is an entry in ClinVar:

ClinVar aggregate classification (germline): Uncertain significance (1 of 4 stars; one submission).

Submission:

GeneDx
Classification: Uncertain significance. Last evaluated: 2022-11-26. Review status: criteria provided, single submitter. Criteria: GeneDx Variant Classification Process June 2021. Collection method: clinical testing. Allele origin: germline. Affected: yes.
Comment: Not observed at significant frequency in large population cohorts (gnomAD); In silico analysis supports that this missense variant has a deleterious effect on protein structure/function; Has not been previously published as pathogenic or benign to our knowledge

NM_000350.3(ABCA4):c.2075C>T (p.Ser692Phe)

Gene: ABCA4 (ATP binding cassette subfamily A member 4; minus strand). Cytogenetic location: 1p22.1.
Variant type: single nucleotide variant.
Coding change: c.2075C>T on transcript NM_000350.3 (MANE Select); coding-DNA position 2075, C replaced by T.
Protein change: p.Ser692Phe; replaces serine 692 with phenylalanine.
Molecular consequence: missense variant.
Genome position (GRCh38, 1-based): chr1:94,060,622, G>A on the plus strand (C>T on the coding strand, the complement: ABCA4 is on the minus strand). VCF-style: chr1-94060622-G-A. GRCh37 (hg19) VCF-style: chr1-94526178-G-A.
Other names: c.2075C>T, p.Ser692Phe (NM_001425324.1); short protein forms S692F.
Identifiers: ClinVar variation 2503180 (VCV002503180.1), dbSNP rs2523832642, ClinGen allele CA341278595.
Genomic context (GRCh38, chr1:94,060,622, plus strand): 5'-ATGCTCATCGACATGATGGAGAAGCTGTCCAGGAACCAGGTACACCAAATCACTGCATTG[G>A]AGACACCCTGATTTTTCAAGGTCTCCTTCAGTCGCAACTCCTTCTCCAAGACGATGCTCT-3'
Protein context (NP_000341.2, residues 682-702): LKETLKNQGV[Ser692Phe]NAVIWCTWFL